The following is an entry in ClinVar:

ClinVar aggregate classification (germline): Likely benign. Review status: criteria provided, multiple submitters, no conflicts (2 of 4 stars). 3 submissions from 3 submitters: Likely benign (3). Last evaluated 2025-12-21.

Conditions:
Hereditary cancer-predisposing syndrome. Also called: Neoplastic Syndromes, Hereditary; Tumor predisposition; Hereditary Cancer Syndrome; Hereditary neoplastic syndrome. Identifiers: Orphanet 140162, MedGen C0027672, MeSH D009386, MONDO:0015356.

Allele frequency attached by ClinVar (database versions not stated): gnomAD exomes below 0.00001.
gnomAD v4.1: 2 of 1,614,088 alleles (0.00012%); highest among the groups gnomAD compares: Admixed American, 0.0033%; 1 homozygote.

Submissions (3):

Labcorp Genetics (formerly Invitae), Labcorp
Classification: Likely benign. Last evaluated: 2025-12-21. Review status: criteria provided, single submitter. Criteria: Invitae Variant Classification Sherloc (09022015). Collection method: clinical testing. Allele origin: germline.

GeneDx
Classification: Likely benign. Last evaluated: 2017-05-22. Review status: criteria provided, single submitter. Criteria: GeneDx Variant Classification (06012015). Collection method: clinical testing. Allele origin: germline. Affected: yes.
Comment: This variant is considered likely benign or benign based on one or more of the following criteria: it is a conservative change, it occurs at a poorly conserved position in the protein, it is predicted to be benign by multiple in silico algorithms, and/or has population frequency not consistent with disease.

Ambry Genetics
Classification: Likely benign for Hereditary cancer-predisposing syndrome. Last evaluated: 2017-03-16. Review status: criteria provided, single submitter. Criteria: Ambry Variant Classification Scheme 2023. Collection method: clinical testing. Allele origin: germline.

NM_006231.4(POLE):c.513C>T (p.Ser171=)

Gene: POLE (DNA polymerase epsilon, catalytic subunit; minus strand). Cytogenetic location: 12q24.33.
Variant type: single nucleotide variant.
Coding change: c.513C>T on transcript NM_006231.4 (MANE Select); coding-DNA position 513, C replaced by T.
Protein change: p.Ser171=; no amino-acid change (serine 171 retained).
Molecular consequence: synonymous variant.
Genome position (GRCh38, 1-based): chr12:132,679,562, G>A on the plus strand (C>T on the coding strand, the complement: POLE is on the minus strand). VCF-style: chr12-132679562-G-A. GRCh37 (hg19) VCF-style: chr12-133256148-G-A.
Identifiers: ClinVar variation 484575 (VCV000484575.14), dbSNP rs1555230083, ClinGen allele CA482724749.
Genomic context (GRCh38, chr12:132,679,562, plus strand): 5'-AAGCAGAGCTGTGTACGCGTCGCTGGCGTGATCCTGCTCCCTGTTCTTCTTCACGGCAGG[G>A]GAGATCTCCTTCCTCACTTTGACAAGATCCTCCACAGTGTGGAAGGACAGCCTGATGTAA-3'
Protein context (NP_006222.2, residues 161-181): EDLVKVRKEI[Ser171=]PAVKKNREQD